The following is an entry in ClinVar:

ClinVar aggregate classification (germline): Uncertain significance (1 of 4 stars; one submission).

Conditions:
Developmental and epileptic encephalopathy, 67. Also called: EPILEPTIC ENCEPHALOPATHY, EARLY INFANTILE, 67. Identifiers: MedGen C4748341, MONDO:0029138, OMIM 618141.

Submission:

Victorian Clinical Genetics Services, Murdoch Childrens Research Institute
Classification: Uncertain significance for Developmental and epileptic encephalopathy, 67. Last evaluated: 2025-08-15. Review status: criteria provided, single submitter. Criteria: ACMG Guidelines, 2015. Collection method: clinical testing. Allele origin: germline. Affected: yes.
Comment: This variant is classified as VUS-3B. Evidence in support of pathogenic classification: Variant is predicted to cause nonsense-mediated decay (NMD) and loss of protein (premature termination codon is located at least 54 nucleotides upstream of the final exon-exon junction); Variant is absent from gnomAD (v2, v3 and v4); Additional information: This variant is heterozygous; This gene is associated with autosomal dominant disease; This variant has no previous evidence of pathogenicity; No published evidence of segregation with disease has been identified for this variant; No published functional evidence has been identified for this variant; Other NMD-predicted variants comparable to the one identified in this case have inconclusive previous evidence for pathogenicity. Many NMD-predicted variants have been classified as VUS by clinical laboratories in ClinVar, however the p.(Lys187Argfs*28) variant has been shown to be de novo and classified as likely pathogenic in one individual. In addition, the p.(R633*) variant was identified in the literature and shown to be de novo in one individual from a large ASD cohort (PMIDs: 25363760, 30559488); The mechanism of disease for this gene is not clearly established.

Literature cited by the submitters: PubMed 30559488; PubMed 25363760.

NM_015267.4(CUX2):c.604del (p.Glu202fs)

Gene: CUX2 (cut like homeobox 2; plus strand). Cytogenetic location: 12q24.11.
Variant type: Deletion.
Coding change: c.604del on transcript NM_015267.4 (MANE Select); coding-DNA position 604, one base deleted (G; older notation c.604delG).
Protein change: p.Glu202fs; shifts the reading frame from glutamic acid 202.
Molecular consequence: frameshift variant.
Genome position (GRCh38, 1-based): chr12:111,295,376, G deleted; the last of 5 consecutive G bases (chr12:111,295,372-111,295,376); deleting any one gives the same sequence. VCF-style (leftmost placement, unchanged base first): chr12-111295371-TG-T. GRCh37 (hg19) VCF-style: chr12-111733175-TG-T.
Other names: c.418del, p.Glu140fs (NM_001370598.1); short protein forms E140fs, E202fs.
Identifiers: ClinVar variation 4531381 (VCV004531381.1).